The following is an entry in ClinVar:

NM_144596.4(TTC8):c.1363C>A (p.Gln455Lys)

Gene: TTC8 (tetratricopeptide repeat domain 8; plus strand). Cytogenetic location: 14q31.3.
Variant type: single nucleotide variant.
Coding change: c.1363C>A on transcript NM_144596.4 (MANE Select); coding-DNA position 1363, C replaced by A.
Protein change: p.Gln455Lys; replaces glutamine 455 with lysine.
Molecular consequence: missense variant. On other transcripts: non-coding transcript variant (1), intron variant (2).
Genome position (GRCh38, 1-based): chr14:88,875,041, C>A. VCF-style: chr14-88875041-C-A. GRCh37 (hg19) VCF-style: chr14-89341385-C-A.
Other names: c.1411C>A, p.Gln471Lys (NM_001288781.1); c.769C>A, p.Gln257Lys (NM_001288782.1); c.646C>A, p.Gln216Lys (NM_001288783.1); c.1333C>A, p.Gln445Lys (NM_198309.3); c.1243C>A, p.Gln415Lys (NM_198310.3); c.1318-2253C>A (NM_001366535.2); c.1228-2253C>A (NM_001366536.2); short protein forms Q216K, Q415K, Q257K, Q445K, Q455K, Q471K.
Identifiers: ClinVar variation 1420078 (VCV001420078.7), dbSNP rs773278542, ClinGen allele CA7302743.

ClinVar aggregate classification (germline): Uncertain significance. Review status: criteria provided, multiple submitters, no conflicts (2 of 4 stars). 4 submissions from 4 submitters: Uncertain significance (4). Last evaluated 2025-09-15.

Conditions:
Retinitis pigmentosa 51 (RP51). Identifiers: Orphanet 791, MedGen C3150715, MONDO:0013274, OMIM 613464.
Bardet-Biedl syndrome 8 (BBS8). Identifiers: Orphanet 110, MedGen C1859566, MONDO:0014436, OMIM 615985.
Bardet-Biedl syndrome (BBS). Identifiers: Orphanet 110, MedGen C0752166, MONDO:0015229.

Allele frequency attached by ClinVar (database versions not stated): gnomAD 0.00001; ExAC 0.00002; gnomAD exomes 0.00002.
gnomAD v4.1: 18 of 1,612,318 alleles (0.0011%); highest among the groups gnomAD compares: Middle Eastern, 0.016%; no homozygotes.

Submissions (4):

Women's Health and Genetics/Laboratory Corporation of America, LabCorp
Classification: Uncertain significance. Last evaluated: 2025-09-15. Review status: criteria provided, single submitter. Criteria: LabCorp Variant Classification Summary - May 2015. Collection method: clinical testing. Allele origin: germline.
Comment: Variant summary: TTC8 c.1333C>A (p.Gln445Lys) results in a conservative amino acid change in the encoded protein sequence. Algorithms developed to predict the effect of missense changes on protein structure and function are either unavailable or do not agree on the potential impact of this missense change. The variant allele was found at a frequency of 1.6e-05 in 250368 control chromosomes. c.1333C>A has been observed in homozygous individual(s) affected with Retinis Pigmentosa (vanHuet_2015). These data indicate that the variant may be associated with disease. To our knowledge, no experimental evidence demonstrating an impact on protein function has been reported. The following publications have been ascertained in the context of this evaluation (PMID: 25999674, 34426522, 31951201). ClinVar contains an entry for this variant (Variation ID: 1420078). Based on the evidence outlined above, the variant was classified as VUS-possibly pathogenic.

Fulgent Genetics
Classification: Uncertain significance for Retinitis pigmentosa 51; Bardet-Biedl syndrome 8. Last evaluated: 2024-01-20. Review status: criteria provided, single submitter. Criteria: ACMG Guidelines, 2015. Collection method: clinical testing. Allele origin: germline.

Labcorp Genetics (formerly Invitae), Labcorp
Classification: Uncertain significance for Bardet-Biedl syndrome. Last evaluated: 2022-04-12. Review status: criteria provided, single submitter. Criteria: Invitae Variant Classification Sherloc (09022015). Collection method: clinical testing. Allele origin: germline.
Comment: This sequence change replaces glutamine, which is neutral and polar, with lysine, which is basic and polar, at codon 445 of the TTC8 protein (p.Gln445Lys). This variant is present in population databases (rs773278542, gnomAD 0.004%). This missense change has been observed in individual(s) with retinitis pigmentosa (PMID: 25999674). Algorithms developed to predict the effect of missense changes on protein structure and function (SIFT, PolyPhen-2, Align-GVGD) all suggest that this variant is likely to be tolerated. In summary, the available evidence is currently insufficient to determine the role of this variant in disease. Therefore, it has been classified as a Variant of Uncertain Significance.

Blueprint Genetics
Classification: Uncertain significance. Last evaluated: 2022-04-04. Review status: criteria provided, single submitter. Criteria: ACMG Guidelines, 2015. Collection method: clinical testing. Allele origin: germline.

Literature cited by the submitters: PubMed 25999674 (cited by Women's Health and Genetics/Laboratory Corporation of America, LabCorp and Labcorp Genetics (formerly Invitae), Labcorp); PubMed 34426522 (cited by Women's Health and Genetics/Laboratory Corporation of America, LabCorp); PubMed 31951201 (cited by Women's Health and Genetics/Laboratory Corporation of America, LabCorp).